The following is an entry in ClinVar:

ClinVar aggregate classification (germline): Uncertain significance (1 of 4 stars; one submission).

Conditions:
Cardiovascular phenotype. Identifiers: MedGen CN230736.

Allele frequency attached by ClinVar (database versions not stated): ExAC 0.00002.
gnomAD v4.1: 3 of 1,210,859 alleles (0.00025%); highest among the groups gnomAD compares: South Asian, 0.0035%; no homozygotes.

Submission:

Ambry Genetics
Classification: Uncertain significance for Cardiovascular phenotype. Last evaluated: 2020-07-28. Review status: criteria provided, single submitter. Criteria: Ambry Variant Classification Scheme 2023. Collection method: clinical testing. Allele origin: germline.
Comment: The p.G1643C variant (also known as c.4927G>T), located in coding exon 35 of the DMD gene, results from a G to T substitution at nucleotide position 4927. The glycine at codon 1643 is replaced by cysteine, an amino acid with highly dissimilar properties. This allele was reported in one heterozygous individual in population-based cohorts in the Genome Aggregation Database (gnomAD). This amino acid position is not well conserved in available vertebrate species. In addition, this alteration is predicted to be tolerated by in silico analysis. Since supporting evidence is limited at this time, the clinical significance of this alteration remains unclear.

NM_004006.3(DMD):c.4927G>T (p.Gly1643Cys)

Gene: DMD (dystrophin; minus strand). Cytogenetic location: Xp21.1.
Variant type: single nucleotide variant.
Coding change: c.4927G>T on transcript NM_004006.3 (MANE Select); coding-DNA position 4927, G replaced by T.
Protein change: p.Gly1643Cys; replaces glycine 1643 with cysteine.
Molecular consequence: missense variant.
Genome position (GRCh38, 1-based): chrX:32,365,118, C>A on the plus strand (G>T on the coding strand, the complement: DMD is on the minus strand). VCF-style: chrX-32365118-C-A. GRCh37 (hg19) VCF-style: chrX-32383235-C-A.
Other names: c.4903G>T, p.Gly1635Cys (NM_000109.4); c.4915G>T, p.Gly1639Cys (NM_004009.3); c.4558G>T, p.Gly1520Cys (NM_004010.3); c.904G>T, p.Gly302Cys (NM_004011.4); c.895G>T, p.Gly299Cys (NM_004012.4); short protein forms G1639C, G299C, G1643C, G1520C, G1635C, G302C.
Identifiers: ClinVar variation 1744162 (VCV001744162.2), dbSNP rs780982818, ClinGen allele CA10378823.